The following is an entry in ClinVar:

ClinVar aggregate classification (germline): Likely pathogenic (1 of 4 stars; one submission).

Conditions:
Intellectual developmental disorder, autosomal dominant 50, with behavioral abnormalities. Also called: MENTAL RETARDATION, AUTOSOMAL DOMINANT 50; Intellectual disability, autosomal dominant 50. Identifiers: MedGen C4540470, MONDO:0030916, OMIM 617787.

Submission:

Clinical Genomics Laboratory, Washington University in St. Louis
Classification: Likely pathogenic for Intellectual developmental disorder, autosomal dominant 50, with behavioral abnormalities. Last evaluated: 2023-11-27. Review status: criteria provided, single submitter. Criteria: ACMG Guidelines, 2015. Collection method: clinical testing. Allele origin: germline. Affected: yes.
Comment: The NAA15 c.2341A>T (p.Lys781Ter) variant, to our knowledge, has not been reported in the medical literature and is absent from the general population (gnomAD v.2.1.1), indicating it is not a common variant. This variant causes a premature termination codon and is expected to alter ~10% of the protein total length; however, because this occurs in the penultimate exon, this is not predicted to lead to nonsense mediated decay. Other variants in this region that introduce premature termination codons have been described in affected individuals (Cheng H et al., PMID: 29656860) and another variant that introduces a premature termination codon in the next amino acid is listed in ClinVar as pathogenic or likely pathogenic (ClinVar Variation ID: 1324774). Based on available information and the ACMG/AMP guidelines for variant interpretation (Richards S et al., PMID: 25741868), this variant is classified as likely pathogenic.

NM_057175.5(NAA15):c.2341A>T (p.Lys781Ter)

Gene: NAA15 (N-alpha-acetyltransferase 15, NatA auxiliary subunit; plus strand). Cytogenetic location: 4q31.1.
Variant type: single nucleotide variant.
Coding change: c.2341A>T on transcript NM_057175.5 (MANE Select); coding-DNA position 2341, A replaced by T.
Protein change: p.Lys781Ter; replaces lysine 781 with a stop codon.
Molecular consequence: nonsense.
Genome position (GRCh38, 1-based): chr4:139,386,171, A>T. VCF-style: chr4-139386171-A-T. GRCh37 (hg19) VCF-style: chr4-140307325-A-T.
Other names: c.2338A>T, p.Lys780Ter (NM_001410842.1); c.*750A>T (NM_025085.2); short protein forms K780*, K781*.
Identifiers: ClinVar variation 3236627 (VCV003236627.1), dbSNP rs2530484965, ClinGen allele CA358270885.